The following is an entry in ClinVar:

NM_002601.4(PDE6D):c.359C>A (p.Ala120Glu)

Gene: PDE6D (phosphodiesterase 6D; minus strand). Cytogenetic location: 2q37.1.
Variant type: single nucleotide variant.
Coding change: c.359C>A on transcript NM_002601.4 (MANE Select); coding-DNA position 359, C replaced by A.
Protein change: p.Ala120Glu; replaces alanine 120 with glutamic acid.
Molecular consequence: missense variant. On other transcripts: intron variant (1).
Genome position (GRCh38, 1-based): chr2:231,737,199, G>T on the plus strand (C>A on the coding strand, the complement: PDE6D is on the minus strand). VCF-style: chr2-231737199-G-T. GRCh37 (hg19) VCF-style: chr2-232601909-G-T.
Other names: c.265+814C>A (NM_001291018.2); short protein forms A120E.
Identifiers: ClinVar variation 1371082 (VCV001371082.6), dbSNP rs1430956453, ClinGen allele CA350973954.

ClinVar aggregate classification (germline): Uncertain significance (1 of 4 stars; one submission).

Conditions:
Joubert syndrome 22 (JBTS22). Identifiers: Orphanet 2754, MedGen C3810278, MONDO:0014297, OMIM 615665.

Allele frequency attached by ClinVar (database versions not stated): gnomAD exomes below 0.00001; TOPMed below 0.00001; gnomAD 0.00001.
gnomAD v4.1: 4 of 1,601,044 alleles (0.00025%); highest among the groups gnomAD compares: Non-Finnish European, 0.00034%; no homozygotes.

Submission:

Labcorp Genetics (formerly Invitae), Labcorp
Classification: Uncertain significance for Joubert syndrome 22. Last evaluated: 2021-08-26. Review status: criteria provided, single submitter. Criteria: Invitae Variant Classification Sherloc (09022015). Collection method: clinical testing. Allele origin: germline.
Comment: In summary, the available evidence is currently insufficient to determine the role of this variant in disease. Therefore, it has been classified as a Variant of Uncertain Significance. Algorithms developed to predict the effect of missense changes on protein structure and function (SIFT, PolyPhen-2, Align-GVGD) all suggest that this variant is likely to be disruptive. This variant has not been reported in the literature in individuals affected with PDE6D-related conditions. This variant is not present in population databases (ExAC no frequency). This sequence change replaces alanine with glutamic acid at codon 120 of the PDE6D protein (p.Ala120Glu). The alanine residue is highly conserved and there is a moderate physicochemical difference between alanine and glutamic acid.